The following is an entry in ClinVar:

ClinVar aggregate classification (germline): Pathogenic (1 of 4 stars; one submission).

Submission:

GeneDx
Classification: Pathogenic. Last evaluated: 2016-06-29. Review status: criteria provided, single submitter. Criteria: GeneDx Variant Classification (06012015). Collection method: clinical testing. Allele origin: germline. Affected: yes.
Comment: c.864+2 T>C: IVS6+2 T>C in intron 6 of the LAMP2 gene (NM_002294.2). Although c.864+2 T>C in the LAMP2 gene has not been reported previously as a disease-causing mutation, this mutation destroys the canonical splice donor site in intron 6 and is predicted to cause abnormal gene splicing. This mutation is expected to lead to either an abnormal message, which is subjected to nonsense-mediated mRNA decay, or to an abnormal protein product if the message is used for protein translation. Additionally, c.864+2 T>C was not observed in approximately 6500 individuals of European and African American ancestry in the NHLBI Exome Sequencing Project, indicating it is not a common benign variant in these populations.Other splice site mutations in the LAMP2 gene have been reported in association with Danon disease in males and LAMP2-related cardiomyopathy in females (Horvath J, 2003). In summary, c.864+2 T>C in the LAMP2 gene is interpreted as a disease-causing mutation. The variant is found in HCM,CARDIOMYOPATHY panel(s).

NM_002294.3(LAMP2):c.864+2T>C

Gene: LAMP2 (lysosomal associated membrane protein 2; minus strand). Cytogenetic location: Xq24.
Variant type: single nucleotide variant.
Coding change: c.864+2T>C on transcript NM_002294.3 (MANE Select); the canonical splice donor site of the intron after coding-DNA position 864, T replaced by C.
Molecular consequence: splice donor variant.
Genome position (GRCh38, 1-based): chrX:120,446,303, A>G on the plus strand (T>C on the coding strand, the complement: LAMP2 is on the minus strand). VCF-style: chrX-120446303-A-G. GRCh37 (hg19) VCF-style: chrX-119580158-A-G.
Other names: c.864+2T>C (NM_001122606.1, NM_013995.2).
Identifiers: ClinVar variation 180877 (VCV000180877.3), dbSNP rs730880485, ClinGen allele CA333676.